The following is an entry in ClinVar:

ClinVar aggregate classification (germline): Conflicting classifications of pathogenicity. Review status: criteria provided, conflicting classifications (1 of 4 stars). 8 submissions from 8 submitters: Uncertain significance (5); Likely benign (2). 1 of the submissions does not count toward it. Last evaluated 2026-01-26.

Conditions:
Hereditary cancer-predisposing syndrome. Also called: Neoplastic Syndromes, Hereditary; Tumor predisposition; Hereditary Cancer Syndrome; Hereditary neoplastic syndrome. Identifiers: Orphanet 140162, MedGen C0027672, MeSH D009386, MONDO:0015356.
Neuroblastoma, susceptibility to, 3. Also called: ALK-Related Neuroblastic Tumor Susceptibility. Identifiers: Orphanet 635, MedGen C2751681, MONDO:0013083, OMIM 613014.
ALK-related disorder. Also called: ALK-related condition.

Allele frequency attached by ClinVar (database versions not stated): gnomAD exomes 0.00001 and 0.00002; ExAC 0.00002; gnomAD 0.00003 and 0.00004; TOPMed 0.00003.
gnomAD v4.1: 37 of 1,614,072 alleles (0.0023%); highest among the groups gnomAD compares: Middle Eastern, 0.13%; no homozygotes.

Submissions (8):

Labcorp Genetics (formerly Invitae), Labcorp
Classification: Uncertain significance for Neuroblastoma, susceptibility to, 3. Last evaluated: 2026-01-26. Review status: criteria provided, single submitter. Criteria: Invitae Variant Classification Sherloc (09022015). Collection method: clinical testing. Allele origin: germline.
Comment: This sequence change replaces methionine, which is neutral and non-polar, with threonine, which is neutral and polar, at codon 596 of the ALK protein (p.Met596Thr). This variant is present in population databases (rs754810505, gnomAD 0.005%). This missense change has been observed in individual(s) with breast cancer (PMID: 35980532). ClinVar contains an entry for this variant (Variation ID: 538254). An algorithm developed to predict the effect of missense changes on protein structure and function outputs the following: PolyPhen-2: "Benign". The threonine amino acid residue is found in multiple mammalian species, which suggests that this missense change does not adversely affect protein function. In summary, the available evidence is currently insufficient to determine the role of this variant in disease. Therefore, it has been classified as a Variant of Uncertain Significance.

Mayo Clinic Laboratories, Mayo Clinic
Classification: Uncertain significance. Last evaluated: 2025-08-18. Review status: criteria provided, single submitter. Criteria: ACMG Guidelines, 2015. Collection method: clinical testing. Allele origin: germline. Observed: 2 variant alleles.
Comment: BP4

GeneDx
Classification: Likely benign. Last evaluated: 2023-01-10. Review status: criteria provided, single submitter. Criteria: GeneDx Variant Classification Process June 2021. Collection method: clinical testing. Allele origin: germline. Affected: yes.
Comment: In silico analysis supports that this missense variant does not alter protein structure/function; Has not been previously published as pathogenic or benign to our knowledge

Ambry Genetics
Classification: Likely benign for Hereditary cancer-predisposing syndrome. Last evaluated: 2022-01-05. Review status: criteria provided, single submitter. Criteria: Ambry Variant Classification Scheme 2023. Collection method: clinical testing. Allele origin: germline.

Institute for Clinical Genetics, University Hospital TU Dresden, University Hospital TU Dresden
Classification: Uncertain significance. Last evaluated: 2021-11-03. Review status: criteria provided, single submitter. Criteria: ACMG Guidelines, 2015. Collection method: clinical testing. Allele origin: germline.

Fulgent Genetics
Classification: Uncertain significance for Neuroblastoma, susceptibility to, 3. Last evaluated: 2018-10-31. Review status: criteria provided, single submitter. Criteria: ACMG Guidelines, 2015. Collection method: clinical testing. Allele origin: unknown.

Breakthrough Genomics
Classification: Uncertain significance. Review status: criteria provided, single submitter. Criteria: ACMG Guidelines, 2015. Collection method: not provided. Allele origin: germline. Inheritance: Unknown mechanism. Affected: yes.

PreventionGenetics, part of Exact Sciences
Classification: Uncertain significance for ALK-related condition. Last evaluated: 2024-03-27. Review status: no assertion criteria provided. Collection method: clinical testing. Allele origin: germline. Not counted in ClinVar's aggregate classification.
Comment: The ALK c.1787T>C variant is predicted to result in the amino acid substitution p.Met596Thr. To our knowledge, this variant has not been reported in the literature in individuals with ALK-related disorders. This variant is reported in 0.0050% of alleles in individuals of East Asian descent in gnomAD. At this time, the clinical significance of this variant is uncertain due to the absence of conclusive functional and genetic evidence.

Literature cited by the submitters: PubMed 35980532 (cited by Labcorp Genetics (formerly Invitae), Labcorp).

NM_004304.5(ALK):c.1787T>C (p.Met596Thr)

Gene: ALK (ALK receptor tyrosine kinase; minus strand). Cytogenetic location: 2p23.2.
Variant type: single nucleotide variant.
Coding change: c.1787T>C on transcript NM_004304.5 (MANE Select); coding-DNA position 1787, T replaced by C.
Protein change: p.Met596Thr; replaces methionine 596 with threonine.
Molecular consequence: missense variant.
Genome position (GRCh38, 1-based): chr2:29,296,918, A>G on the plus strand (T>C on the coding strand, the complement: ALK is on the minus strand). VCF-style: chr2-29296918-A-G. GRCh37 (hg19) VCF-style: chr2-29519784-A-G.
Other names: p.Met596Thr; short protein forms M596T.
Identifiers: ClinVar variation 538254 (VCV000538254.20), dbSNP rs754810505, ClinGen allele CA1594537.